The following is an entry in ClinVar:

ClinVar aggregate classification (germline): Benign/Likely benign. Review status: criteria provided, multiple submitters, no conflicts (2 of 4 stars). 3 submissions from 3 submitters: Benign (1); Likely benign (2). Last evaluated 2025-06-13.

Conditions:
Hereditary cancer-predisposing syndrome. Also called: Tumor predisposition; Hereditary Cancer Syndrome; Neoplastic Syndromes, Hereditary; Hereditary neoplastic syndrome. Identifiers: Orphanet 140162, MedGen C0027672, MeSH D009386, MONDO:0015356.
Von Hippel-Lindau syndrome (VHLS). Also called: VHL syndrome; Von Hippel-Lindau; von Hippel–Lindau syndrome. Identifiers: Orphanet 892, MedGen C0019562, MONDO:0008667, OMIM 193300. Disease mechanism: loss of function.
Chuvash polycythemia. Also called: POLYCYTHEMIA, VHL-DEPENDENT. Identifiers: Orphanet 238557, MedGen C1837915, MONDO:0009892, OMIM 263400.

Allele frequency attached by ClinVar (database versions not stated): gnomAD 0.00001.
gnomAD v4.1: 3 of 1,614,056 alleles (0.00019%); highest among the groups gnomAD compares: African/African-American, 0.0013%; no homozygotes.

Submissions (3):

Myriad Genetics, Inc.
Classification: Benign for Von Hippel-Lindau syndrome. Last evaluated: 2025-06-13. Review status: criteria provided, single submitter. Criteria: Myriad Autosomal Dominant, Autosomal Recessive and X-Linked Classification Criteria (2023). Collection method: clinical testing. Allele origin: unknown.
Comment: This variant is considered benign. This variant is a silent/synonymous amino acid change and it is not expected to impact splicing.

Ambry Genetics
Classification: Likely benign for Hereditary cancer-predisposing syndrome. Last evaluated: 2024-02-28. Review status: criteria provided, single submitter. Criteria: Ambry Variant Classification Scheme 2023. Collection method: clinical testing. Allele origin: germline.

Labcorp Genetics (formerly Invitae), Labcorp
Classification: Likely benign for Von Hippel-Lindau syndrome; Chuvash polycythemia. Last evaluated: 2023-08-10. Review status: criteria provided, single submitter. Criteria: Invitae Variant Classification Sherloc (09022015). Collection method: clinical testing. Allele origin: germline.

NM_000551.4(VHL):c.606A>G (p.Thr202=)

Genes: VHL (von Hippel-Lindau tumor suppressor; plus strand), LOC107303340 (3p25 von Hippel-Lindau tumor suppressor, E3 ubiquitin protein ligase Alu-mediated recombination region; plus strand). Cytogenetic location: 3p25.3.
Variant type: single nucleotide variant.
Coding change: c.606A>G on transcript NM_000551.4 (MANE Select); coding-DNA position 606, A replaced by G.
Protein change: p.Thr202=; no amino-acid change (threonine 202 retained).
Molecular consequence: synonymous variant. On other transcripts: 3 prime UTR variant (1).
Genome position (GRCh38, 1-based): chr3:10,149,929, A>G. VCF-style: chr3-10149929-A-G. GRCh37 (hg19) VCF-style: chr3-10191613-A-G.
Other names: c.*160A>G (NM_001354723.2); c.483A>G, p.Thr161= (NM_198156.3).
Identifiers: ClinVar variation 745569 (VCV000745569.13), dbSNP rs1575932637, ClinGen allele CA432423878.
Genomic context (GRCh38, chr3:10,149,929, plus strand): 5'-GTCGCTCTACGAAGATCTGGAAGACCACCCAAATGTGCAGAAAGACCTGGAGCGGCTGAC[A>G]CAGGAGCGCATTGCACATCAACGGATGGGAGATTGAAGATTTCTGTTGAAACTTACACTG-3'
Protein context (NP_000542.1, residues 192-212): PNVQKDLERL[Thr202=]QERIAHQRMG